The following is an entry in ClinVar:

NM_030928.4(CDT1):c.1023C>T (p.Pro341=)

Gene: CDT1 (chromatin licensing and DNA replication factor 1; plus strand). Cytogenetic location: 16q24.3.
Variant type: single nucleotide variant.
Coding change: c.1023C>T on transcript NM_030928.4 (MANE Select); coding-DNA position 1023, C replaced by T.
Protein change: p.Pro341=; no amino-acid change (proline 341 retained).
Molecular consequence: synonymous variant.
Genome position (GRCh38, 1-based): chr16:88,806,575, C>T. VCF-style: chr16-88806575-C-T. GRCh37 (hg19) VCF-style: chr16-88872983-C-T.
Identifiers: ClinVar variation 735331 (VCV000735331.10), dbSNP rs200497384, ClinGen allele CA8233956.

ClinVar aggregate classification (germline): Likely benign. Review status: criteria provided, single submitter (1 of 4 stars). 2 submissions from 2 submitters: Likely benign (1). 1 of the submissions does not count toward it. Last evaluated 2025-12-23.

Conditions:
CDT1-related disorder. Also called: CDT1-related condition.

Allele frequency attached by ClinVar (database versions not stated): ExAC 0.00002; gnomAD exomes 0.00002 and 0.00003; gnomAD 0.00003 and 0.00004; TOPMed 0.00008; 1000 Genomes Project 0.00020; 1000 Genomes Project 30x 0.00031.
gnomAD v4.1: 57 of 1,608,542 alleles (0.0035%); highest among the groups gnomAD compares: Admixed American, 0.018%; no homozygotes.

Submissions (2):

Labcorp Genetics (formerly Invitae), Labcorp
Classification: Likely benign. Last evaluated: 2025-12-23. Review status: criteria provided, single submitter. Criteria: Invitae Variant Classification Sherloc (09022015). Collection method: clinical testing. Allele origin: germline.

PreventionGenetics, part of Exact Sciences
Classification: Likely benign for CDT1-related condition. Last evaluated: 2019-04-15. Review status: no assertion criteria provided. Collection method: clinical testing. Allele origin: germline. Not counted in ClinVar's aggregate classification.
Comment: This variant is classified as likely benign based on ACMG/AMP sequence variant interpretation guidelines (Richards et al. 2015 PMID: 25741868, with internal and published modifications).